The following is an entry in ClinVar:

GRCh38/hg38 16p11.2(chr16:29441012-30183432)x1

Genes: ALDOA (aldolase, fructose-bisphosphate A; plus strand), ASPHD1 (aspartate beta-hydroxylase domain containing 1; plus strand), BOLA2 (bolA family member 2; minus strand), BOLA2-SMG1P6 (BOLA2-SMG1P6 readthrough; minus strand), C16orf54 (chromosome 16 open reading frame 54; minus strand) and 106 more. Cytogenetic location: 16p11.2.
Variant type: copy number loss.
Change: copy number 1 (one copy instead of two) of chr16:29,441,012-30,183,432 (742.4 kb, GRCh38 coordinates, 1-based), cytogenetic band 16p11.2.
Identifiers: ClinVar variation 60375 (VCV000060375.2).

ClinVar aggregate classification (germline): Pathogenic (1 of 4 stars; one submission).

Submission:

ISCA Site 6
Classification: Pathogenic. Last evaluated: 2011-08-12. Review status: criteria provided, single submitter. Criteria: Kaminsky et al. (Genet Med. 2011). Collection method: clinical testing. Allele origin: unknown. Affected: yes. Observed: 2 variant alleles.
Comment: Copy number variation identified through the course of routine clinical cytogenomic testing in postnatal populations. Clinical assertions have been curated as described in Kaminsky et al. 2011.